The following is an entry in ClinVar:

NM_033310.3(KCNK4):c.738C>A (p.Phe246Leu)

Genes: KCNK4 (potassium two pore domain channel subfamily K member 4; plus strand), KCNK4-CATSPERZ (KCNK4-CATSPERZ readthrough (NMD candidate); plus strand). Cytogenetic location: 11q13.1.
Variant type: single nucleotide variant.
Coding change: c.738C>A on transcript NM_033310.3 (MANE Select); coding-DNA position 738, C replaced by A.
Protein change: p.Phe246Leu; replaces phenylalanine 246 with leucine.
Molecular consequence: missense variant. On other transcripts: non-coding transcript variant (3).
Genome position (GRCh38, 1-based): chr11:64,298,186, C>A. VCF-style: chr11-64298186-C-A. GRCh37 (hg19) VCF-style: chr11-64065658-C-A.
Other names: c.738C>A, p.Phe246Leu (NM_001317090.2, NM_033311.1); short protein forms F246L.
Identifiers: ClinVar variation 2794782 (VCV002794782.3), dbSNP rs145581707, ClinGen allele CA6073157.

ClinVar aggregate classification (germline): Uncertain significance (1 of 4 stars; one submission).

gnomAD v4.1: 5 of 1,613,778 alleles (0.00031%); highest among the groups gnomAD compares: South Asian, 0.0055%; no homozygotes.

Submission:

Labcorp Genetics (formerly Invitae), Labcorp
Classification: Uncertain significance. Last evaluated: 2024-02-11. Review status: criteria provided, single submitter. Criteria: Invitae Variant Classification Sherloc (09022015). Collection method: clinical testing. Allele origin: germline.
Comment: This sequence change replaces phenylalanine, which is neutral and non-polar, with leucine, which is neutral and non-polar, at codon 246 of the KCNK4 protein (p.Phe246Leu). This variant is present in population databases (rs145581707, gnomAD 0.007%). This variant has not been reported in the literature in individuals affected with KCNK4-related conditions. An algorithm developed to predict the effect of missense changes on protein structure and function (PolyPhen-2) suggests that this variant is likely to be disruptive. In summary, the available evidence is currently insufficient to determine the role of this variant in disease. Therefore, it has been classified as a Variant of Uncertain Significance.